The following is an entry in ClinVar:

ClinVar aggregate classification (germline): Conflicting classifications of pathogenicity. Review status: criteria provided, conflicting classifications (1 of 4 stars). 7 submissions from 6 submitters: Uncertain significance (1); Likely benign (6). Last evaluated 2025-12-12.

Conditions:
Autosomal dominant nocturnal frontal lobe epilepsy 5. Also called: KCNT1-Related Epilepsy; Epilepsy, nocturnal frontal lobe, 5; CILIARY DYSKINESIA, PRIMARY, 28, WITHOUT SITUS INVERSUS; CILIARY DYSKINESIA, PRIMARY, 28, WITH SITUS INVERSUS. Identifiers: Orphanet 98784, MedGen C3554306, MONDO:0014002, OMIM 615005.
Developmental and epileptic encephalopathy, 14 (DEE14). Also called: Early infantile epileptic encephalopathy 14. Identifiers: Orphanet 293181, MedGen C3554195, MONDO:0013989, OMIM 614959.
KCNT1-related disorder. Also called: KCNT1-related condition.
Inborn genetic diseases. Identifiers: MedGen C0950123, MeSH D030342.

Allele frequency attached by ClinVar (database versions not stated): gnomAD 0.00007; TOPMed 0.00007.
gnomAD v4.1: 277 of 1,613,088 alleles (0.017%); highest among the groups gnomAD compares: Non-Finnish European, 0.022%; no homozygotes.

Submissions (7):

Labcorp Genetics (formerly Invitae), Labcorp
Classification: Likely benign for Autosomal dominant nocturnal frontal lobe epilepsy 5; Developmental and epileptic encephalopathy, 14. Last evaluated: 2025-12-12. Review status: criteria provided, single submitter. Criteria: Invitae Variant Classification Sherloc (09022015). Collection method: clinical testing. Allele origin: germline.

Women's Health and Genetics/Laboratory Corporation of America, LabCorp
Classification: Uncertain significance. Last evaluated: 2025-12-04. Review status: criteria provided, single submitter. Criteria: LabCorp Variant Classification Summary - May 2015. Collection method: clinical testing. Allele origin: germline.
Comment: Variant summary: KCNT1 c.1694G>A (p.Arg565His) results in a non-conservative amino acid change in the encoded protein sequence. Algorithms developed to predict the effect of missense changes on protein structure and function are either unavailable or do not agree on the potential impact of this missense change. The variant allele was found at a frequency of 8e-05 in 250564 control chromosomes. This frequency is not significantly higher than estimated for disease-causing variants in KCNT1, allowing no conclusion about variant significance. c.1694G>A has been observed in individual(s) affected with temporal lobe epilepsy without strong evidence for causality (lack of segregation) (example: Hansen_2017). These report(s) do not provide unequivocal conclusions about association of the variant with Developmental And Epileptic Encephalopathy, 14. To our knowledge, no experimental evidence demonstrating an impact on protein function has been reported. The following publication has been ascertained in the context of this evaluation (PMID: 28081520). ClinVar contains an entry for this variant (Variation ID: 508726). Based on the evidence outlined above, the variant was classified as uncertain significance.

PreventionGenetics, part of Exact Sciences
Classification: Likely benign for KCNT1-related condition. Last evaluated: 2025-11-25. Review status: criteria provided, single submitter. Criteria: ACMG Guidelines, 2015. Collection method: clinical testing. Allele origin: germline.
Comment: This variant is classified as likely benign based on ACMG/AMP sequence variant interpretation guidelines (Richards et al. 2015 PMID: 25741868, with internal and published modifications).

Ambry Genetics
Classification: Likely benign for Inborn genetic diseases. Last evaluated: 2023-06-13. Review status: criteria provided, single submitter. Criteria: Ambry Variant Classification Scheme 2023. Collection method: clinical testing. Allele origin: germline.

Genome-Nilou Lab
Classification: Likely benign for Developmental and epileptic encephalopathy, 14. Last evaluated: 2022-03-15. Review status: criteria provided, single submitter. Criteria: ACMG Guidelines, 2015. Collection method: clinical testing. Allele origin: germline. Affected: no.

Genome-Nilou Lab
Classification: Likely benign for Autosomal dominant nocturnal frontal lobe epilepsy 5. Last evaluated: 2022-03-15. Review status: criteria provided, single submitter. Criteria: ACMG Guidelines, 2015. Collection method: clinical testing. Allele origin: germline. Affected: no.

GeneDx
Classification: Likely benign. Last evaluated: 2020-07-14. Review status: criteria provided, single submitter. Criteria: GeneDx Variant Classification Process June 2021. Collection method: clinical testing. Allele origin: germline. Affected: yes.
Comment: This variant is associated with the following publications: (PMID: 28081520)

Literature cited by the submitters: PubMed 28081520 (cited by Women's Health and Genetics/Laboratory Corporation of America, LabCorp and Ambry Genetics).

NM_020822.3(KCNT1):c.1694G>A (p.Arg565His)

Gene: KCNT1 (potassium sodium-activated channel subfamily T member 1; plus strand). Cytogenetic location: 9q34.3.
Variant type: single nucleotide variant.
Coding change: c.1694G>A on transcript NM_020822.3 (MANE Select); coding-DNA position 1694, G replaced by A.
Protein change: p.Arg565His; replaces arginine 565 with histidine.
Molecular consequence: missense variant.
Genome position (GRCh38, 1-based): chr9:135,770,372, G>A. VCF-style: chr9-135770372-G-A. GRCh37 (hg19) VCF-style: chr9-138662218-G-A.
Other names: c.1559G>A, p.Arg520His (NM_001272003.2); short protein forms R565H, R520H.
Identifiers: ClinVar variation 508726 (VCV000508726.19), dbSNP rs769855266, ClinGen allele CA5327029.